The following is an entry in ClinVar:

ClinVar aggregate classification (germline): Uncertain significance. Review status: criteria provided, multiple submitters, no conflicts (2 of 4 stars). 2 submissions from 2 submitters: Uncertain significance (2). Last evaluated 2024-02-01.

Conditions:
Inborn genetic diseases. Identifiers: MedGen C0950123, MeSH D030342.

Allele frequency attached by ClinVar (database versions not stated): gnomAD exomes below 0.00001; ExAC 0.00002.
gnomAD v4.1: 1 of 1,613,526 alleles (0.000062%); highest among the groups gnomAD compares: East Asian, 0.0022%; no homozygotes.

Submissions (2):

CeGaT Center for Human Genetics Tuebingen
Classification: Uncertain significance. Last evaluated: 2024-02-01. Review status: criteria provided, single submitter. Criteria: CeGaT Center For Human Genetics Tuebingen Variant Classification Criteria Version 2. Collection method: clinical testing. Allele origin: germline. Affected: yes. Observed: 1 variant allele.
Comment: ALX4: PM2

Ambry Genetics
Classification: Uncertain significance for Inborn genetic diseases. Last evaluated: 2023-09-25. Review status: criteria provided, single submitter. Criteria: Ambry Variant Classification Scheme 2023. Collection method: clinical testing. Allele origin: germline.

NM_021926.4(ALX4):c.497T>C (p.Leu166Ser)

Gene: ALX4 (ALX homeobox 4; minus strand). Cytogenetic location: 11p11.2.
Variant type: single nucleotide variant.
Coding change: c.497T>C on transcript NM_021926.4 (MANE Select); coding-DNA position 497, T replaced by C.
Protein change: p.Leu166Ser; replaces leucine 166 with serine.
Molecular consequence: missense variant.
Genome position (GRCh38, 1-based): chr11:44,275,628, A>G on the plus strand (T>C on the coding strand, the complement: ALX4 is on the minus strand). VCF-style: chr11-44275628-A-G. GRCh37 (hg19) VCF-style: chr11-44297178-A-G.
Other names: c.497T>C (NM_021926.3); short protein forms L166S.
Identifiers: ClinVar variation 3027183 (VCV003027183.23), dbSNP rs758432138, ClinGen allele CA5955716.